The following is an entry in ClinVar:

NM_199242.3(UNC13D):c.117+59C>T

Gene: UNC13D (unc-13 homolog D; minus strand). Cytogenetic location: 17q25.1.
Variant type: single nucleotide variant.
Coding change: c.117+59C>T on transcript NM_199242.3 (MANE Select); 59 bases into the intron after coding-DNA position 117, C replaced by T.
Molecular consequence: intron variant.
Genome position (GRCh38, 1-based): chr17:75,844,162, G>A on the plus strand (C>T on the coding strand, the complement: UNC13D is on the minus strand). VCF-style: chr17-75844162-G-A. GRCh37 (hg19) VCF-style: chr17-73840243-G-A.
Identifiers: ClinVar variation 1166947 (VCV001166947.13), dbSNP rs3744010, ClinGen allele CA14440554.

ClinVar aggregate classification (germline): Benign. Review status: criteria provided, multiple submitters, no conflicts (2 of 4 stars). 4 submissions from 4 submitters: Benign (4). Last evaluated 2026-01-26.

Conditions:
Autoinflammatory syndrome. Identifiers: Orphanet 93665, MedGen C3890737, MONDO:0019751.
Familial hemophagocytic lymphohistiocytosis 3 (FHL3). Also called: UNC13D-Related Familial Hemophagocytic Lymphohistiocytosis (UNC13D-fHLH). Identifiers: Orphanet 540, MedGen C1837174, MONDO:0012146, OMIM 608898.

Allele frequency attached by ClinVar (database versions not stated): gnomAD exomes 0.24245; 1000 Genomes Project 0.28474; 1000 Genomes Project 30x 0.29325; gnomAD 0.30446 and 0.31218; TOPMed 0.31945.

Submissions (4):

Labcorp Genetics (formerly Invitae), Labcorp
Classification: Benign for Familial hemophagocytic lymphohistiocytosis 3. Last evaluated: 2026-01-26. Review status: criteria provided, single submitter. Criteria: Invitae Variant Classification Sherloc (09022015). Collection method: clinical testing. Allele origin: germline.

Unidad de Genómica Garrahan, Hospital de Pediatría Garrahan
Classification: Benign. Last evaluated: 2024-01-24. Review status: criteria provided, single submitter. Criteria: ACMG Guidelines, 2015. Collection method: clinical testing. Allele origin: germline. Affected: no. Observed: 34 variant alleles.
Comment: This variant is classified as Benign based on local population frequency. This variant was detected in 39% of patients studied by a panel of primary immunodeficiencies. Number of patients: 34. Only high quality variants are reported.

Genome Diagnostics Laboratory, The Hospital for Sick Children
Classification: Benign for Autoinflammatory syndrome. Last evaluated: 2016-12-12. Review status: criteria provided, single submitter. Criteria: ACMG Guidelines, 2015. Collection method: clinical testing. Allele origin: germline. Affected: yes.

Breakthrough Genomics
Classification: Benign. Review status: criteria provided, single submitter. Criteria: ACMG Guidelines, 2015. Collection method: not provided. Allele origin: germline. Inheritance: Autosomal recessive inheritance. Affected: yes.